The following is an entry in ClinVar:

NM_001267550.2(TTN):c.97500T>C (p.Pro32500=)

Genes: TTN (titin; minus strand), TTN-AS1 (TTN antisense RNA 1; plus strand). Cytogenetic location: 2q31.2.
Variant type: single nucleotide variant.
Coding change: c.97500T>C on transcript NM_001267550.2 (MANE Select); coding-DNA position 97500, T replaced by C.
Protein change: p.Pro32500=; no amino-acid change (proline 32500 retained).
Molecular consequence: synonymous variant.
Genome position (GRCh38, 1-based): chr2:178,541,577, A>G on the plus strand (T>C on the coding strand, the complement: TTN is on the minus strand). VCF-style: chr2-178541577-A-G. GRCh37 (hg19) VCF-style: chr2-179406304-A-G.
Other names: c.92577T>C, p.Pro30859= (NM_001256850.1); c.70305T>C, p.Pro23435= (NM_003319.4); c.89796T>C, p.Pro29932= (NM_133378.4); c.70680T>C, p.Pro23560= (NM_133432.3); c.70881T>C, p.Pro23627= (NM_133437.4).
Identifiers: ClinVar variation 2651585 (VCV002651585.24), dbSNP rs1250827722, ClinGen allele CA430098183.

ClinVar aggregate classification (germline): Likely benign (1 of 4 stars; one submission).

Allele frequency attached by ClinVar (database versions not stated): gnomAD exomes below 0.00001; TOPMed below 0.00001.
gnomAD v4.1: 1 of 1,606,334 alleles (0.000062%); highest among the groups gnomAD compares: Non-Finnish European, 0.000085%; no homozygotes.

Submission:

CeGaT Center for Human Genetics Tuebingen
Classification: Likely benign. Last evaluated: 2023-01-01. Review status: criteria provided, single submitter. Criteria: CeGaT Center For Human Genetics Tuebingen Variant Classification Criteria Version 2. Collection method: clinical testing. Allele origin: germline. Affected: yes. Observed: 1 variant allele.
Comment: TTN: PM2:Supporting, BP4, BP7